The following is an entry in ClinVar:

ClinVar aggregate classification (germline): Uncertain significance (1 of 4 stars; one submission).

Conditions:
Age related macular degeneration 4. Identifiers: MedGen C1853147, MONDO:0012540, OMIM 610698.

Submission:

Genomenon, Inc
Classification: Uncertain significance for Age related macular degeneration 4. Last evaluated: 2026-09-17. Review status: criteria provided, single submitter. Criteria: Genomenon Sequence Variant Interpretation Standards - Updated. Collection method: curation. Allele origin: germline. Affected: yes.
Comment: CFH p.His191Arg (c.572A>G) is a missense variant that changes the amino acid at codon 191 from histidine to arginine. This variant has been observed in at least one proband affected with age-related macular degeneration (PMID: 29888403). It is absent or not present at a significant frequency in gnomAD. In conclusion, we classify CFH p.His191Arg (c.572A>G) as a variant of uncertain significance.

Literature cited by the submitters: PubMed 29888403.

NM_000186.4(CFH):c.572A>G (p.His191Arg)

Gene: CFH (complement factor H; plus strand). Cytogenetic location: 1q31.3.
Variant type: single nucleotide variant.
Coding change: c.572A>G on transcript NM_000186.4 (MANE Select); coding-DNA position 572, A replaced by G.
Protein change: p.His191Arg; replaces histidine 191 with arginine.
Molecular consequence: missense variant.
Genome position (GRCh38, 1-based): chr1:196,677,620, A>G. VCF-style: chr1-196677620-A-G. GRCh37 (hg19) VCF-style: chr1-196646750-A-G.
Other names: c.572A>G, p.His191Arg (NM_001014975.3); short protein forms H191R.
Identifiers: ClinVar variation 4291299 (VCV004291299.2).